The following is an entry in ClinVar:

ClinVar aggregate classification (germline): Uncertain significance (1 of 4 stars; one submission).

Conditions:
Cardiovascular phenotype. Identifiers: MedGen CN230736.

Submission:

Ambry Genetics
Classification: Uncertain significance for Cardiovascular phenotype. Last evaluated: 2026-02-24. Review status: criteria provided, single submitter. Criteria: Ambry Variant Classification Scheme 2023. Collection method: clinical testing. Allele origin: germline.
Comment: The p.F267C variant (also known as c.800T>G), located in coding exon 4 of the CYP27A1 gene, results from a T to G substitution at nucleotide position 800. The phenylalanine at codon 267 is replaced by cysteine, an amino acid with highly dissimilar properties. This amino acid position is conserved. In addition, the in silico prediction for this alteration is inconclusive. Based on the available evidence, the clinical significance of this variant remains unclear.

NM_000784.4(CYP27A1):c.800T>G (p.Phe267Cys)

Gene: CYP27A1 (cytochrome P450 family 27 subfamily A member 1; plus strand). Cytogenetic location: 2q35.
Variant type: single nucleotide variant.
Coding change: c.800T>G on transcript NM_000784.4 (MANE Select); coding-DNA position 800, T replaced by G.
Protein change: p.Phe267Cys; replaces phenylalanine 267 with cysteine.
Molecular consequence: missense variant.
Genome position (GRCh38, 1-based): chr2:218,812,705, T>G. VCF-style: chr2-218812705-T-G. GRCh37 (hg19) VCF-style: chr2-219677428-T-G.
Other names: short protein forms F267C.
Identifiers: ClinVar variation 4826758 (VCV004826758.1).